The following is an entry in ClinVar:

ClinVar aggregate classification (germline): Uncertain significance (1 of 4 stars; one submission).

gnomAD v4.1: 1 of 1,613,226 alleles (0.000062%); highest among the groups gnomAD compares: Non-Finnish European, 0.000085%; no homozygotes.

Submission:

Labcorp Genetics (formerly Invitae), Labcorp
Classification: Uncertain significance. Last evaluated: 2022-07-01. Review status: criteria provided, single submitter. Criteria: Invitae Variant Classification Sherloc (09022015). Collection method: clinical testing. Allele origin: germline.
Comment: This sequence change replaces proline, which is neutral and non-polar, with histidine, which is basic and polar, at codon 792 of the COL18A1 protein (p.Pro792His). This variant is not present in population databases (gnomAD no frequency). This variant has not been reported in the literature in individuals affected with COL18A1-related conditions. ClinVar contains an entry for this variant (Variation ID: 1523252). Experimental studies and prediction algorithms are not available or were not evaluated, and the functional significance of this variant is currently unknown. In summary, the available evidence is currently insufficient to determine the role of this variant in disease. Therefore, it has been classified as a Variant of Uncertain Significance.

NM_001379500.1(COL18A1):c.2375C>A (p.Pro792His)

Gene: COL18A1 (collagen type XVIII alpha 1 chain; plus strand). Cytogenetic location: 21q22.3.
Variant type: single nucleotide variant.
Coding change: c.2375C>A on transcript NM_001379500.1 (MANE Select); coding-DNA position 2375, C replaced by A.
Protein change: p.Pro792His; replaces proline 792 with histidine.
Molecular consequence: missense variant.
Genome position (GRCh38, 1-based): chr21:45,494,567, C>A. VCF-style: chr21-45494567-C-A. GRCh37 (hg19) VCF-style: chr21-46914481-C-A.
Other names: c.2915C>A, p.Pro972His (NM_030582.4); c.3620C>A, p.Pro1207His (NM_130444.3); short protein forms P972H, P1207H, P792H.
Identifiers: ClinVar variation 1523252 (VCV001523252.3), dbSNP rs779048807, ClinGen allele CA410497592.